The following is an entry in ClinVar:

ClinVar aggregate classification (germline): Benign/Likely benign. Review status: criteria provided, multiple submitters, no conflicts (2 of 4 stars). 3 submissions from 3 submitters: Benign (1); Likely benign (2). Last evaluated 2025-02-28.

Conditions:
Pheochromocytoma/paraganglioma syndrome 5. Also called: Paragangliomas 5; SDHA-Related Hereditary Paraganglioma-Pheochromocytoma Syndrome. Identifiers: Orphanet 29072, MedGen C3279992, MONDO:0013602, OMIM 614165.
Hereditary cancer-predisposing syndrome. Also called: Tumor predisposition; Hereditary Cancer Syndrome; Hereditary neoplastic syndrome; Neoplastic Syndromes, Hereditary. Identifiers: Orphanet 140162, MedGen C0027672, MeSH D009386, MONDO:0015356.
Mitochondrial complex II deficiency, nuclear type 1. Also called: SUCCINATE CoQ REDUCTASE DEFICIENCY. Identifiers: Orphanet 3208, MedGen C5700310, MONDO:0100294, OMIM 252011.

Allele frequency attached by ClinVar (database versions not stated): gnomAD exomes below 0.00001.
gnomAD v4.1: 1 of 1,613,310 alleles (0.000062%); highest among the groups gnomAD compares: Admixed American, 0.0017%; no homozygotes.

Submissions (3):

Myriad Genetics, Inc.
Classification: Benign for Pheochromocytoma/paraganglioma syndrome 5. Last evaluated: 2025-02-28. Review status: criteria provided, single submitter. Criteria: Myriad Autosomal Dominant, Autosomal Recessive and X-Linked Classification Criteria (2023). Collection method: clinical testing. Allele origin: unknown.
Comment: This variant is considered benign. This variant is a silent/synonymous amino acid change and it is not expected to impact splicing.

Labcorp Genetics (formerly Invitae), Labcorp
Classification: Likely benign for Pheochromocytoma/paraganglioma syndrome 5; Mitochondrial complex II deficiency, nuclear type 1. Last evaluated: 2023-11-17. Review status: criteria provided, single submitter. Criteria: Invitae Variant Classification Sherloc (09022015). Collection method: clinical testing. Allele origin: germline.

Ambry Genetics
Classification: Likely benign for Hereditary cancer-predisposing syndrome. Last evaluated: 2022-05-12. Review status: criteria provided, single submitter. Criteria: Ambry Variant Classification Scheme 2023. Collection method: clinical testing. Allele origin: germline.

NM_004168.4(SDHA):c.264A>G (p.Ala88=)

Gene: SDHA (succinate dehydrogenase complex flavoprotein subunit A; plus strand). Cytogenetic location: 5p15.33.
Variant type: single nucleotide variant.
Coding change: c.264A>G on transcript NM_004168.4 (MANE Select); coding-DNA position 264, A replaced by G.
Protein change: p.Ala88=; no amino-acid change (alanine 88 retained).
Molecular consequence: synonymous variant.
Genome position (GRCh38, 1-based): chr5:224,473, A>G. VCF-style: chr5-224473-A-G. GRCh37 (hg19) VCF-style: chr5-224588-A-G.
Other names: c.264A>G, p.Ala88= (NM_001294332.2, NM_001330758.2).
Identifiers: ClinVar variation 1794293 (VCV001794293.6), dbSNP rs1421838740, ClinGen allele CA442690904.